The following is an entry in ClinVar:

ClinVar aggregate classification (germline): Likely benign (1 of 4 stars; one submission).

Conditions:
Leigh syndrome (NULS). Also called: Leigh's necrotizing encephalopathy; Leigh's disease; Leigh's syndrome; LEIGH SYNDROME, NUCLEAR; Leigh Syndrome (mtDNA deletion); Leigh Disease. Identifiers: Orphanet 506, MedGen C2931891, MONDO:0009723, OMIM 256000.

Submission:

Wong Mito Lab, Molecular and Human Genetics, Baylor College of Medicine
Classification: Likely benign for Leigh syndrome. Last evaluated: 2019-10-17. Review status: criteria provided, single submitter. Criteria: Modified ACMG Guidelines (Unpublished). Collection method: clinical testing. Allele origin: germline.
Comment: The NC_012920.1:m.14047A>G (YP_003024036.1:p.Ile571Val) variant in MTND5 gene is interpretated to be a Likely Benign variant based on the modified ACMG guidelines (unpublished). This variant meets the following evidence codes: BS1, BP4

NC_012920.1(MT-ND5):m.14047A>G

Gene: MT-ND5 (mitochondrially encoded NADH dehydrogenase 5; plus strand).
Variant type: single nucleotide variant.
Genome position: chrM-14047-A-G.
Identifiers: ClinVar variation 693655 (VCV000693655.1), dbSNP rs1603224486, ClinGen allele CA414820667.